The following is an entry in ClinVar:

NM_001159699.2(FHL1):c.644_650dup (p.Ala218fs)

Gene: FHL1 (four and a half LIM domains 1; plus strand). Cytogenetic location: Xq26.3.
Variant type: Duplication.
Coding change: c.644_650dup on transcript NM_001159699.2 (MANE Select); coding-DNA positions 644 to 650, 7 bases duplicated (GTTTCAC; older notation c.644_650dupGTTTCAC).
Protein change: p.Ala218fs; shifts the reading frame from alanine 218.
Molecular consequence: frameshift variant. On other transcripts: non-coding transcript variant (1), intron variant (2).
Genome position (GRCh38, 1-based): chrX:136,208,549-136,208,555, GTTTCAC duplicated; duplicating any 7 consecutive bases within chrX:136,208,548-136,208,555 gives the same sequence; the c. name uses the placement nearest the transcript's 3' end. VCF-style (leftmost placement, unchanged base first): chrX-136208547-G-GCGTTTCA. GRCh37 (hg19) VCF-style: chrX-135290706-G-GCGTTTCA.
Other names: c.596_602dup, p.Ala202fs (NM_001159700.2, NM_001159702.3, NM_001159704.1 and 8 more transcripts); c.683_689dup, p.Ala231fs (NM_001159701.2); c.501+588_501+594dup (NM_001159703.2); c.549+588_549+594dup (NM_001330659.2); short protein forms A202fs, A231fs, A218fs.
Identifiers: ClinVar variation 845088 (VCV000845088.9), dbSNP rs2073913069, ClinGen allele CA916084003.

ClinVar aggregate classification (germline): Pathogenic (1 of 4 stars; one submission).

Conditions:
X-linked myopathy with postural muscle atrophy. Also called: FHL1-Related Emery-Dreifuss Muscular Dystrophy, X-Linked. Identifiers: Orphanet 178461, MedGen C2678055, MONDO:0010401, OMIM 300696.

Submission:

Labcorp Genetics (formerly Invitae), Labcorp
Classification: Pathogenic for X-linked myopathy with postural muscle atrophy. Last evaluated: 2019-05-08. Review status: criteria provided, single submitter. Criteria: Invitae Variant Classification Sherloc (09022015). Collection method: clinical testing. Allele origin: germline.
Comment: For these reasons, this variant has been classified as Pathogenic. This variant disrupts the C-terminus of the FHL1 protein. Other variant(s) that disrupt this region (p.Asp205Glyfs*29, p.Cys209Thrfs*50) have been determined to be pathogenic (Invitae). This suggests that variants that disrupt this region of the protein are likely to be causative of disease. This variant has not been reported in the literature in individuals with FHL1-related conditions. This variant is not present in population databases (ExAC no frequency). This sequence change results in a premature translational stop signal in the FHL1 gene (p.Ala202Phefs*34). While this is not anticipated to result in nonsense mediated decay, it is expected to disrupt the last 79 amino acids of the FHL1 protein.